The following is an entry in ClinVar:

ClinVar aggregate classification (germline): Likely benign (0 of 4 stars; one submission).

Conditions:
MKS1-related disorder. Also called: MKS1-related condition; MKS1-related disorders. Identifiers: MedGen CN239382.

Submission:

PreventionGenetics, part of Exact Sciences
Classification: Likely benign for MKS1-related condition. Last evaluated: 2023-10-04. Review status: no assertion criteria provided. Collection method: clinical testing. Allele origin: germline.
Comment: This variant is classified as likely benign based on ACMG/AMP sequence variant interpretation guidelines (Richards et al. 2015 PMID: 25741868, with internal and published modifications).

NM_017777.4(MKS1):c.262-114A>G

Gene: MKS1 (MKS transition zone complex subunit 1; minus strand). Cytogenetic location: 17q22.
Variant type: single nucleotide variant.
Coding change: c.262-114A>G on transcript NM_017777.4 (MANE Select); 114 bases into the intron before coding-DNA position 262, A replaced by G.
Molecular consequence: intron variant.
Genome position (GRCh38, 1-based): chr17:58,216,357, T>C on the plus strand (A>G on the coding strand, the complement: MKS1 is on the minus strand). VCF-style: chr17-58216357-T-C. GRCh37 (hg19) VCF-style: chr17-56293718-T-C.
Other names: c.-250-114A>G (NM_001321268.2); c.262-114A>G (NM_001330397.2, NM_001321269.2, NM_001411113.1).
Identifiers: ClinVar variation 3349587 (VCV003349587.1).